The following is an entry in ClinVar:

NM_153638.4(PANK2):c.281G>C (p.Arg94Pro)

Genes: PANK2 (pantothenate kinase 2; plus strand), LOC130065345 (ATAC-STARR-seq lymphoblastoid silent region 12635; plus strand). Cytogenetic location: 20p13.
Variant type: single nucleotide variant.
Coding change: c.281G>C on transcript NM_153638.4; coding-DNA position 281, G replaced by C.
Protein change: p.Arg94Pro; replaces arginine 94 with proline.
Molecular consequence: missense variant. On other transcripts: intron variant (1).
Genome position (GRCh38, 1-based): chr20:3,889,381, G>C. VCF-style: chr20-3889381-G-C. GRCh37 (hg19) VCF-style: chr20-3870028-G-C.
Other names: c.281G>C, p.Arg94Pro (NM_001324192.1); c.-246+477G>C (NM_024960.6); short protein forms R94P.
Identifiers: ClinVar variation 338359 (VCV000338359.16), dbSNP rs71647827, ClinGen allele CA9750525.

ClinVar aggregate classification (germline): Benign/Likely benign. Review status: criteria provided, multiple submitters, no conflicts (2 of 4 stars). 5 submissions from 5 submitters: Benign (4); Likely benign (1). Last evaluated 2026-02-04.

Conditions:
Pigmentary pallidal degeneration (NBIA1). Also called: Neuroaxonal dystrophy, late infantile; Hallervorden-Spatz disease; HARP SYNDROME; PKAN NEUROAXONAL DYSTROPHY, JUVENILE-ONSET; Pantothenate Kinase-Associated Neurodegeneration; Neurodegeneration with brain iron accumulation 1. Identifiers: Orphanet 157850, MedGen C0018523, MONDO:0009319, OMIM 234200.

Allele frequency attached by ClinVar (database versions not stated): gnomAD 0.00156 and 0.00115; TOPMed 0.00232; 1000 Genomes Project 30x 0.00781; 1000 Genomes Project 0.00819; gnomAD exomes 0.00322; ExAC 0.00469.
gnomAD v4.1: 2,175 of 1,575,088 alleles (0.14%); highest among the groups gnomAD compares: East Asian, 4.1%; 44 homozygotes.

Submissions (5):

Labcorp Genetics (formerly Invitae), Labcorp
Classification: Benign for Pigmentary pallidal degeneration. Last evaluated: 2026-02-04. Review status: criteria provided, single submitter. Criteria: Invitae Variant Classification Sherloc (09022015). Collection method: clinical testing. Allele origin: germline.

Mayo Clinic Laboratories, Mayo Clinic
Classification: Benign. Last evaluated: 2024-01-03. Review status: criteria provided, single submitter. Criteria: ACMG Guidelines, 2015. Collection method: clinical testing. Allele origin: germline. Observed: 5 variant alleles.
Comment: BS1, BS2

GeneDx
Classification: Likely benign. Last evaluated: 2020-01-22. Review status: criteria provided, single submitter. Criteria: GeneDx Variant Classification Process June 2021. Collection method: clinical testing. Allele origin: germline. Affected: yes.

Illumina Laboratory Services, Illumina
Classification: Benign for Pigmentary pallidal degeneration. Last evaluated: 2018-01-13. Review status: criteria provided, single submitter. Criteria: ICSL Variant Classification Criteria 13 December 2019. Collection method: clinical testing. Allele origin: germline.
Comment: This variant was observed in the ICSL laboratory as part of a predisposition screen in an ostensibly healthy population. It had not been previously curated by ICSL or reported in the Human Gene Mutation Database (HGMD: prior to June 1st, 2018), and was therefore a candidate for classification through an automated scoring system. Utilizing variant allele frequency, disease prevalence and penetrance estimates, and inheritance mode, an automated score was calculated to assess if this variant is too frequent to cause the disease. Based on the score and internal cut-off values, a variant classified as benign is not then subjected to further curation. The score for this variant resulted in a classification of benign for this disease.

Athena Diagnostics
Classification: Benign. Last evaluated: 2017-09-19. Review status: criteria provided, single submitter. Criteria: Athena Diagnostics Criteria. Collection method: clinical testing. Allele origin: germline.